The following is an entry in ClinVar:

ClinVar aggregate classification (germline): Uncertain significance (1 of 4 stars; one submission).

Allele frequency attached by ClinVar (database versions not stated): gnomAD 0.00001; TOPMed 0.00002; ExAC 0.00012.
gnomAD v4.1: 25 of 1,354,198 alleles (0.0018%); highest among the groups gnomAD compares: Non-Finnish European, 0.0024%; no homozygotes.

Submission:

Labcorp Genetics (formerly Invitae), Labcorp
Classification: Uncertain significance. Last evaluated: 2022-08-08. Review status: criteria provided, single submitter. Criteria: Invitae Variant Classification Sherloc (09022015). Collection method: clinical testing. Allele origin: germline.
Comment: This sequence change replaces proline, which is neutral and non-polar, with alanine, which is neutral and non-polar, at codon 41 of the TK2 protein (p.Pro41Ala). The frequency data for this variant in the population databases is considered unreliable, as metrics indicate poor data quality at this position in the gnomAD database. This variant has not been reported in the literature in individuals affected with TK2-related conditions. Advanced modeling of protein sequence and biophysical properties (such as structural, functional, and spatial information, amino acid conservation, physicochemical variation, residue mobility, and thermodynamic stability) performed at Invitae indicates that this missense variant is not expected to disrupt TK2 protein function. In summary, the available evidence is currently insufficient to determine the role of this variant in disease. Therefore, it has been classified as a Variant of Uncertain Significance.

NM_004614.5(TK2):c.121C>G (p.Pro41Ala)

Genes: TK2 (thymidine kinase 2; minus strand), LOC130059156 (ATAC-STARR-seq lymphoblastoid silent region 7560; plus strand). Cytogenetic location: 16q21.
Variant type: single nucleotide variant.
Coding change: c.121C>G on transcript NM_004614.5 (MANE Select); coding-DNA position 121, C replaced by G.
Protein change: p.Pro41Ala; replaces proline 41 with alanine.
Molecular consequence: missense variant. On other transcripts: 5 prime UTR variant (2), non-coding transcript variant (1), intron variant (2).
Genome position (GRCh38, 1-based): chr16:66,549,941, G>C on the plus strand (C>G on the coding strand, the complement: TK2 is on the minus strand). VCF-style: chr16-66549941-G-C. GRCh37 (hg19) VCF-style: chr16-66583844-G-C.
Other names: c.121C>G, p.Pro41Ala (NM_001172644.2, NM_001172645.2); c.-122C>G (NM_001271934.2); c.-532C>G (NM_001272050.2); c.31+312C>G (NM_001271935.1, NM_001172643.1); short protein forms P41A.
Identifiers: ClinVar variation 1977832 (VCV001977832.2), dbSNP rs760671699, ClinGen allele CA8093841.